The following is an entry in ClinVar:

NM_001111125.3(IQSEC2):c.2026del (p.Ala676fs)

Gene: IQSEC2 (IQ motif and Sec7 domain ArfGEF 2; minus strand). Cytogenetic location: Xp11.22.
Variant type: Deletion.
Coding change: c.2026del on transcript NM_001111125.3 (MANE Select); coding-DNA position 2026, one base deleted (G; older notation c.2026delG).
Protein change: p.Ala676fs; shifts the reading frame from alanine 676.
Molecular consequence: frameshift variant.
Genome position (GRCh38, 1-based): chrX:53,250,550, C deleted on the plus strand (G on the coding strand, the reverse complement: IQSEC2 is on the minus strand); the first of 2 consecutive C bases (chrX:53,250,550-53,250,551); deleting either gives the same sequence. VCF-style (leftmost placement, unchanged base first): chrX-53250549-GC-G. GRCh37 (hg19) VCF-style: chrX-53279731-GC-G.
Other names: c.1411del, p.Ala471fs (NM_015075.2); short protein forms A471fs, A676fs.
Identifiers: ClinVar variation 850650 (VCV000850650.3), dbSNP rs2074369642, ClinGen allele CA916083957.

ClinVar aggregate classification (germline): Pathogenic (1 of 4 stars; one submission).

Conditions:
Intellectual developmental disorder, X-linked 1. Also called: Atkin Flaitz Patil Smith syndrome; MENTAL RETARDATION, X-LINKED 18; MENTAL RETARDATION, X-LINKED 78; Intellectual disability, X-linked 1. Identifiers: Orphanet 777, MedGen C2931498, MONDO:0010656, OMIM 309530.

Submission:

Labcorp Genetics (formerly Invitae), Labcorp
Classification: Pathogenic for Intellectual developmental disorder, X-linked 1. Last evaluated: 2019-03-03. Review status: criteria provided, single submitter. Criteria: Invitae Variant Classification Sherloc (09022015). Collection method: clinical testing. Allele origin: germline.
Comment: This sequence change creates a premature translational stop signal (p.Ala676Leufs*46) in the IQSEC2 gene. It is expected to result in an absent or disrupted protein product. This variant is not present in population databases (ExAC no frequency). This variant has not been reported in the literature in individuals with IQSEC2-related conditions. Loss-of-function variants in IQSEC2 are known to be pathogenic (PMID: 21686261, 26793055, 27665735). For these reasons, this variant has been classified as Pathogenic.

Literature cited by the submitters: PubMed 21686261; PubMed 26793055; PubMed 27665735.